The following is an entry in ClinVar:

NM_139058.3(ARX):c.488A>G (p.Gln163Arg)

Gene: ARX (aristaless related homeobox; minus strand). Cytogenetic location: Xp21.3.
Variant type: single nucleotide variant.
Coding change: c.488A>G on transcript NM_139058.3 (MANE Select); coding-DNA position 488, A replaced by G.
Protein change: p.Gln163Arg; replaces glutamine 163 with arginine.
Molecular consequence: missense variant.
Genome position (GRCh38, 1-based): chrX:25,013,507, T>C on the plus strand (A>G on the coding strand, the complement: ARX is on the minus strand). VCF-style: chrX-25013507-T-C. GRCh37 (hg19) VCF-style: chrX-25031624-T-C.
Other names: short protein forms Q163R.
Identifiers: ClinVar variation 1202851 (VCV001202851.3), dbSNP rs2147324113, ClinGen allele CA412613075.

ClinVar aggregate classification (germline): Uncertain significance (1 of 4 stars; one submission).

Submission:

GeneDx
Classification: Uncertain significance. Last evaluated: 2019-12-03. Review status: criteria provided, single submitter. Criteria: GeneDx Variant Classification Process June 2021. Collection method: clinical testing. Allele origin: germline. Affected: yes.
Comment: Not observed in large population cohorts (Lek et al., 2016); In silico analysis, which includes protein predictors and evolutionary conservation, supports that this variant does not alter protein structure/function; This variant is associated with the following publications: (PMID: 30255221, 11971879, 15857409, 16235064, 12359145, 12536326)